The following is an entry in ClinVar:

NM_206933.4(USH2A):c.10474G>T (p.Ala3492Ser)

Gene: USH2A (usherin; minus strand). Cytogenetic location: 1q41.
Variant type: single nucleotide variant.
Coding change: c.10474G>T on transcript NM_206933.4 (MANE Select); coding-DNA position 10474, G replaced by T.
Protein change: p.Ala3492Ser; replaces alanine 3492 with serine.
Molecular consequence: missense variant.
Genome position (GRCh38, 1-based): chr1:215,782,849, C>A on the plus strand (G>T on the coding strand, the complement: USH2A is on the minus strand). VCF-style: chr1-215782849-C-A. GRCh37 (hg19) VCF-style: chr1-215956191-C-A.
Other names: short protein forms A3492S.
Identifiers: ClinVar variation 866403 (VCV000866403.6), dbSNP rs771610821, ClinGen allele CA1394006.

ClinVar aggregate classification (germline): Uncertain significance. Review status: criteria provided, multiple submitters, no conflicts (2 of 4 stars). 5 submissions from 4 submitters: Uncertain significance (5). Last evaluated 2023-11-04.

Conditions:
Retinitis pigmentosa 39 (RP39). Identifiers: Orphanet 791, MedGen C3151138, MONDO:0013436, OMIM 613809.
Usher syndrome type 2A. Also called: RETINAL DISEASE IN USHER SYNDROME TYPE IIA, MODIFIER OF; USHER SYNDROME, TYPE IIA. Identifiers: Orphanet 231178, Orphanet 886, MedGen C1848634, MONDO:0010169, OMIM 276901.

gnomAD v4.1: 6 of 1,613,844 alleles (0.00037%); highest among the groups gnomAD compares: Admixed American, 0.0067%; no homozygotes.

Submissions (5):

Genome-Nilou Lab
Classification: Uncertain significance for Retinitis pigmentosa 39. Last evaluated: 2023-11-04. Review status: criteria provided, single submitter. Criteria: ACMG Guidelines, 2015. Collection method: clinical testing. Allele origin: germline. Affected: no.

Genome-Nilou Lab
Classification: Uncertain significance for Usher syndrome type 2A. Last evaluated: 2023-11-04. Review status: criteria provided, single submitter. Criteria: ACMG Guidelines, 2015. Collection method: clinical testing. Allele origin: germline. Affected: no.

GeneDx
Classification: Uncertain significance. Last evaluated: 2023-03-31. Review status: criteria provided, single submitter. Criteria: GeneDx Variant Classification Process June 2021. Collection method: clinical testing. Allele origin: germline. Affected: yes.
Comment: In silico analysis supports that this missense variant does not alter protein structure/function; Has not been previously published as pathogenic or benign to our knowledge

Blueprint Genetics
Classification: Uncertain significance. Last evaluated: 2022-11-23. Review status: criteria provided, single submitter. Criteria: ACMG Guidelines, 2015. Collection method: clinical testing. Allele origin: germline.

Labcorp Genetics (formerly Invitae), Labcorp
Classification: Uncertain significance. Last evaluated: 2022-07-27. Review status: criteria provided, single submitter. Criteria: Invitae Variant Classification Sherloc (09022015). Collection method: clinical testing. Allele origin: germline.
Comment: This sequence change replaces alanine, which is neutral and non-polar, with serine, which is neutral and polar, at codon 3492 of the USH2A protein (p.Ala3492Ser). This variant is present in population databases (rs771610821, gnomAD 0.009%). This variant has not been reported in the literature in individuals affected with USH2A-related conditions. ClinVar contains an entry for this variant (Variation ID: 866403). Algorithms developed to predict the effect of missense changes on protein structure and function are either unavailable or do not agree on the potential impact of this missense change (SIFT: "Deleterious"; PolyPhen-2: "Benign"; Align-GVGD: "Class C0"). In summary, the available evidence is currently insufficient to determine the role of this variant in disease. Therefore, it has been classified as a Variant of Uncertain Significance.